The following is an entry in ClinVar:

ClinVar aggregate classification (germline): Pathogenic. Review status: criteria provided, multiple submitters, no conflicts (2 of 4 stars). 2 submissions from 2 submitters: Pathogenic (2). Last evaluated 2024-01-01.

Conditions:
Fraser syndrome 1 (FRASRS1). Also called: CRYPTOPHTHALMOS WITH OTHER MALFORMATIONS. Identifiers: Orphanet 2052, MedGen C4551480, MONDO:0054737, OMIM 219000.

Allele frequency attached by ClinVar (database versions not stated): gnomAD exomes below 0.00001.
gnomAD v4.1: 4 of 1,584,878 alleles (0.00025%); highest among the groups gnomAD compares: Non-Finnish European, 0.00034%; no homozygotes.

Submissions (2):

Daryl Scott Lab, Baylor College of Medicine
Classification: Pathogenic for Fraser syndrome 1. Last evaluated: 2024-01-01. Review status: criteria provided, single submitter. Criteria: ACMG Guidelines, 2015. Collection method: clinical testing. Allele origin: paternal. Observed: 1 heterozygote.
Comment: PS2, PS4, PM1, PM2, PP3

Labcorp Genetics (formerly Invitae), Labcorp
Classification: Pathogenic. Last evaluated: 2023-09-05. Review status: criteria provided, single submitter. Criteria: Invitae Variant Classification Sherloc (09022015). Collection method: clinical testing. Allele origin: germline.
Comment: This variant is not present in population databases (gnomAD no frequency). This sequence change creates a premature translational stop signal (p.Gln188*) in the FRAS1 gene. It is expected to result in an absent or disrupted protein product. Loss-of-function variants in FRAS1 are known to be pathogenic (PMID: 12766769, 18671281). This variant has not been reported in the literature in individuals affected with FRAS1-related conditions. For these reasons, this variant has been classified as Pathogenic. Algorithms developed to predict the effect of sequence changes on RNA splicing suggest that this variant may disrupt the consensus splice site.

Literature cited by the submitters: PubMed 12766769 (cited by Labcorp Genetics (formerly Invitae), Labcorp); PubMed 18671281 (cited by Labcorp Genetics (formerly Invitae), Labcorp).

NM_025074.7(FRAS1):c.562C>T (p.Gln188Ter)

Gene: FRAS1 (Fraser extracellular matrix complex subunit 1; plus strand). Cytogenetic location: 4q21.21.
Variant type: single nucleotide variant.
Coding change: c.562C>T on transcript NM_025074.7 (MANE Select); coding-DNA position 562, C replaced by T.
Protein change: p.Gln188Ter; replaces glutamine 188 with a stop codon.
Molecular consequence: nonsense.
Genome position (GRCh38, 1-based): chr4:78,255,334, C>T. VCF-style: chr4-78255334-C-T. GRCh37 (hg19) VCF-style: chr4-79176488-C-T.
Other names: c.562C>T, p.Gln188Ter (NM_001166133.2); short protein forms Q188*.
Identifiers: ClinVar variation 2746739 (VCV002746739.3), dbSNP rs2476518574, ClinGen allele CA357352511.